The following is an entry in ClinVar:

ClinVar aggregate classification (germline): Uncertain significance (1 of 4 stars; one submission).

Submission:

Labcorp Genetics (formerly Invitae), Labcorp
Classification: Uncertain significance. Last evaluated: 2024-10-28. Review status: criteria provided, single submitter. Criteria: Invitae Variant Classification Sherloc (09022015). Collection method: clinical testing. Allele origin: germline.
Comment: This sequence change replaces serine, which is neutral and polar, with threonine, which is neutral and polar, at codon 542 of the PHEX protein (p.Ser542Thr). This variant is not present in population databases (gnomAD no frequency). This variant has not been reported in the literature in individuals affected with PHEX-related conditions. ClinVar contains an entry for this variant (Variation ID: 1993248). Invitae Evidence Modeling of protein sequence and biophysical properties (such as structural, functional, and spatial information, amino acid conservation, physicochemical variation, residue mobility, and thermodynamic stability) has been performed for this missense variant. However, the output from this modeling did not meet the statistical confidence thresholds required to predict the impact of this variant on PHEX protein function. In summary, the available evidence is currently insufficient to determine the role of this variant in disease. Therefore, it has been classified as a Variant of Uncertain Significance.

NM_000444.6(PHEX):c.1625G>C (p.Ser542Thr)

Gene: PHEX (phosphate regulating endopeptidase X-linked; plus strand). Cytogenetic location: Xp22.11.
Variant type: single nucleotide variant.
Coding change: c.1625G>C on transcript NM_000444.6 (MANE Select); coding-DNA position 1625, G replaced by C.
Protein change: p.Ser542Thr; replaces serine 542 with threonine.
Molecular consequence: missense variant.
Genome position (GRCh38, 1-based): chrX:22,190,482, G>C. VCF-style: chrX-22190482-G-C. GRCh37 (hg19) VCF-style: chrX-22208599-G-C.
Other names: c.1625G>C, p.Ser542Thr (NM_001282754.2); short protein forms S542T.
Identifiers: ClinVar variation 1993248 (VCV001993248.4), dbSNP rs2518621801, ClinGen allele CA412575106.